The following is an entry in ClinVar:

NM_213599.3(ANO5):c.261del (p.Asp88fs)

Gene: ANO5 (anoctamin 5; plus strand). Cytogenetic location: 11p14.3.
Variant type: Deletion.
Coding change: c.261del on transcript NM_213599.3 (MANE Select); coding-DNA position 261, one base deleted (T; older notation c.261delT).
Protein change: p.Asp88fs; shifts the reading frame from aspartic acid 88.
Molecular consequence: frameshift variant.
Genome position (GRCh38, 1-based): chr11:22,221,177, T deleted; the last of 2 consecutive T bases (chr11:22,221,176-22,221,177); deleting either gives the same sequence. VCF-style (leftmost placement, unchanged base first): chr11-22221175-GT-G. GRCh37 (hg19) VCF-style: chr11-22242721-GT-G.
Other names: c.258del, p.Asp87fs (NM_001142649.2); c.219del, p.Asp74fs (NM_001410963.1, NM_001441298.1, NM_001441300.1); c.216del, p.Asp73fs (NM_001410964.1, NM_001441299.1, NM_001441301.1); c.183del, p.Asp62fs (NM_001441294.1); c.180del, p.Asp61fs (NM_001441295.1); c.168del, p.Asp57fs (NM_001441296.1, NM_001441302.1); c.141del, p.Asp48fs (NM_001441297.1); short protein forms D61fs, D73fs, D48fs, D57fs, D62fs, D74fs, D87fs, D88fs.
Identifiers: ClinVar variation 4793774 (VCV004793774.1).

ClinVar aggregate classification (germline): Pathogenic (1 of 4 stars; one submission).

Conditions:
Gnathodiaphyseal dysplasia (GDD). Also called: GNATHODIAPHYSEAL SCLEROSIS; OSTEOGENESIS IMPERFECTA WITH UNUSUAL SKELETAL LESIONS. Identifiers: Orphanet 53697, MedGen C1833736, MONDO:0008151, OMIM 166260.
Autosomal recessive limb-girdle muscular dystrophy type 2L (LGMDR12). Also called: Limb-girdle muscular dystrophy, type 2L; MUSCULAR DYSTROPHY, LIMB-GIRDLE, AUTOSOMAL RECESSIVE 12; Limb-Girdle Muscular Dystrophy R12 Anoctamin-5-Related (LGMD-R12). Identifiers: Orphanet 206549, MedGen C1969785, MONDO:0012652, OMIM 611307.

Submission:

Labcorp Genetics (formerly Invitae), Labcorp
Classification: Pathogenic for Autosomal recessive limb-girdle muscular dystrophy type 2L; Gnathodiaphyseal dysplasia. Last evaluated: 2025-06-18. Review status: criteria provided, single submitter. Criteria: Invitae Variant Classification Sherloc (09022015). Collection method: clinical testing. Allele origin: germline.
Comment: This sequence change creates a premature translational stop signal (p.Asp88Metfs*3) in the ANO5 gene. It is expected to result in an absent or disrupted protein product. Loss-of-function variants in ANO5 are known to be pathogenic (PMID: 21186264, 23606453, 25891276, 30919934). This variant is not present in population databases (gnomAD no frequency). This variant has not been reported in the literature in individuals affected with ANO5-related conditions. For these reasons, this variant has been classified as Pathogenic.

Literature cited by the submitters: PubMed 21186264; PubMed 23606453; PubMed 25891276; PubMed 30919934.